The following is an entry in ClinVar:

ClinVar aggregate classification (germline): Uncertain significance (1 of 4 stars; one submission).

Allele frequency attached by ClinVar (database versions not stated): gnomAD 0.00001; gnomAD exomes 0.00001 and 0.00002; TOPMed 0.00001; ExAC 0.00002; ESP Exome Variant Server 0.00015.
gnomAD v4.1: 23 of 1,613,628 alleles (0.0014%); highest among the groups gnomAD compares: Non-Finnish European, 0.0019%; no homozygotes.

Submission:

GeneDx
Classification: Uncertain significance. Last evaluated: 2019-08-01. Review status: criteria provided, single submitter. Criteria: GeneDx Variant Classification Process June 2021. Collection method: clinical testing. Allele origin: germline. Affected: yes.
Comment: In silico analysis, which includes protein predictors and evolutionary conservation, supports a deleterious effect; Has not been previously published as pathogenic or benign to our knowledge

NM_000233.4(LHCGR):c.866A>G (p.Glu289Gly)

Genes: LHCGR (luteinizing hormone/choriogonadotropin receptor; minus strand), STON1-GTF2A1L (STON1-GTF2A1L readthrough; plus strand). Cytogenetic location: 2p16.3.
Variant type: single nucleotide variant.
Coding change: c.866A>G on transcript NM_000233.4 (MANE Select); coding-DNA position 866, A replaced by G.
Protein change: p.Glu289Gly; replaces glutamic acid 289 with glycine.
Molecular consequence: missense variant. On other transcripts: intron variant (1).
Genome position (GRCh38, 1-based): chr2:48,698,615, T>C on the plus strand (A>G on the coding strand, the complement: LHCGR is on the minus strand). VCF-style: chr2-48698615-T-C. GRCh37 (hg19) VCF-style: chr2-48925754-T-C.
Other names: c.3441+26935T>C (NM_001198593.2); short protein forms E289G.
Identifiers: ClinVar variation 1304141 (VCV001304141.2), dbSNP rs138280987, ClinGen allele CA1653156.